The following is an entry in ClinVar:

ClinVar aggregate classification (germline): Uncertain significance (1 of 4 stars; one submission).

Conditions:
Gastrointestinal stromal tumor. Also called: Gastrointestinal stromal tumor, somatic; Gastrointestinal stroma tumor. Identifiers: Orphanet 44890, MedGen C0238198, MeSH D046152, MONDO:0011719, OMIM 606764, HP:0100723.

Submission:

Labcorp Genetics (formerly Invitae), Labcorp
Classification: Uncertain significance for Gastrointestinal stromal tumor. Last evaluated: 2024-03-29. Review status: criteria provided, single submitter. Criteria: Invitae Variant Classification Sherloc (09022015). Collection method: clinical testing. Allele origin: germline.
Comment: This sequence change replaces aspartic acid, which is acidic and polar, with glutamic acid, which is acidic and polar, at codon 792 of the KIT protein (p.Asp792Glu). This variant is not present in population databases (gnomAD no frequency). This variant has not been reported in the literature in individuals affected with KIT-related conditions. An algorithm developed to predict the effect of missense changes on protein structure and function (PolyPhen-2) suggests that this variant is likely to be disruptive. In summary, the available evidence is currently insufficient to determine the role of this variant in disease. Therefore, it has been classified as a Variant of Uncertain Significance.

NM_000222.3(KIT):c.2376C>G (p.Asp792Glu)

Gene: KIT (KIT proto-oncogene, receptor tyrosine kinase; plus strand). Cytogenetic location: 4q12.
Variant type: single nucleotide variant.
Coding change: c.2376C>G on transcript NM_000222.3 (MANE Select); coding-DNA position 2376, C replaced by G.
Protein change: p.Asp792Glu; replaces aspartic acid 792 with glutamic acid.
Molecular consequence: missense variant.
Genome position (GRCh38, 1-based): chr4:54,733,084, C>G. VCF-style: chr4-54733084-C-G. GRCh37 (hg19) VCF-style: chr4-55599250-C-G.
Other names: c.2364C>G, p.Asp788Glu (NM_001093772.2, NM_001385292.1); c.2379C>G, p.Asp793Glu (NM_001385284.1); c.2373C>G, p.Asp791Glu (NM_001385285.1); c.2361C>G, p.Asp787Glu (NM_001385286.1); c.2367C>G, p.Asp789Glu (NM_001385288.1); c.2376C>G, p.Asp792Glu (NM_001385290.1); short protein forms D792E, D788E, D791E, D793E, D787E, D789E.
Identifiers: ClinVar variation 3646057 (VCV003646057.2).
Genomic context (GRCh38, chr4:54,733,084, plus strand): 5'-GTTAAAATGAATTTAAATGGTTTTCTTTTCTCCTCCAACCTAATAGTGTATTCACAGAGA[C>G]TTGGCAGCCAGAAATATCCTCCTTACTCATGGTCGGATCACAAAGATTTGTGATTTTGGT-3'
Protein context (NP_000213.1, residues 782-802): FLASKNCIHR[Asp792Glu]LAARNILLTH